The following is an entry in ClinVar:

NM_002691.4(POLD1):c.984G>C (p.Glu328Asp)

Gene: POLD1 (DNA polymerase delta 1, catalytic subunit; plus strand). Cytogenetic location: 19q13.33.
Variant type: single nucleotide variant.
Coding change: c.984G>C on transcript NM_002691.4 (MANE Select); coding-DNA position 984, G replaced by C.
Protein change: p.Glu328Asp; replaces glutamic acid 328 with aspartic acid.
Molecular consequence: missense variant. On other transcripts: non-coding transcript variant (1).
Genome position (GRCh38, 1-based): chr19:50,403,066, G>C. VCF-style: chr19-50403066-G-C. GRCh37 (hg19) VCF-style: chr19-50906323-G-C.
Other names: c.984G>C, p.Glu328Asp (NM_001256849.1, NM_001308632.1); c.984G>C (NM_002691.2); short protein forms E328D.
Identifiers: ClinVar variation 944220 (VCV000944220.8), dbSNP rs1401103913, ClinGen allele CA406977755.

ClinVar aggregate classification (germline): Conflicting classifications of pathogenicity. Review status: criteria provided, conflicting classifications (1 of 4 stars). 2 submissions from 2 submitters: Uncertain significance (1); Likely benign (1). Last evaluated 2024-10-29.

Conditions:
POLD1-related polyposis and colorectal cancer syndrome (CRCS10). Also called: Colorectal cancer 10; COLORECTAL CANCER, SUSCEPTIBILITY TO, ON CHROMOSOME 19q; Colorectal cancer, susceptibility to, 10. Identifiers: Orphanet 220460, MedGen C2675481, MONDO:0012953, OMIM 612591.
Hereditary cancer-predisposing syndrome. Also called: Hereditary neoplastic syndrome; Tumor predisposition; Neoplastic Syndromes, Hereditary; Hereditary Cancer Syndrome. Identifiers: Orphanet 140162, MedGen C0027672, MeSH D009386, MONDO:0015356.

Submissions (2):

Ambry Genetics
Classification: Likely benign for Hereditary cancer-predisposing syndrome. Last evaluated: 2024-10-29. Review status: criteria provided, single submitter. Criteria: Ambry Variant Classification Scheme 2023. Collection method: clinical testing. Allele origin: germline.

Labcorp Genetics (formerly Invitae), Labcorp
Classification: Uncertain significance for POLD1-related polyposis and colorectal cancer syndrome. Last evaluated: 2022-09-06. Review status: criteria provided, single submitter. Criteria: Invitae Variant Classification Sherloc (09022015). Collection method: clinical testing. Allele origin: germline.
Comment: In summary, the available evidence is currently insufficient to determine the role of this variant in disease. Therefore, it has been classified as a Variant of Uncertain Significance. Algorithms developed to predict the effect of missense changes on protein structure and function are either unavailable or do not agree on the potential impact of this missense change (SIFT: "Deleterious"; PolyPhen-2: "Benign"; Align-GVGD: "Class C0"). ClinVar contains an entry for this variant (Variation ID: 944220). This variant has not been reported in the literature in individuals affected with POLD1-related conditions. This variant is not present in population databases (gnomAD no frequency). This sequence change replaces glutamic acid, which is acidic and polar, with aspartic acid, which is acidic and polar, at codon 328 of the POLD1 protein (p.Glu328Asp).